The following is an entry in ClinVar:

NM_178497.3(C4orf26):c.318G>A

Gene: ODAPH (odontogenesis associated phosphoprotein; plus strand). Cytogenetic location: 4q21.1.
Variant type: single nucleotide variant.
Coding change: c.318G>A on transcript NM_178497.3; coding-DNA position 318, G replaced by A.
Molecular consequence: nonsense (on NM_178497.5). On other transcripts: missense variant (1), intron variant (1).
Genome position (GRCh38, 1-based): chr4:75,564,364, G>A. VCF-style: chr4-75564364-G-A. GRCh37 (hg19) VCF-style: chr4-76489574-G-A.
Other names: ODAPH, TRP106TER (rs146645381); c.362G>A, p.Gly121Asp (NM_001206981.2); c.318G>A, p.Trp106Ter (NM_178497.5); c.207-24G>A (NM_001257072.2); short protein forms W106*, G121D.
Identifiers: ClinVar variation 37219 (VCV000037219.3), dbSNP rs146645381, ClinGen allele CA130111.
Genomic context (GRCh38, chr4:75,564,364, plus strand): 5'-AAACAGACCTTTCGTCCCTTCAAGGTGTAACCACCGTTTTCCATTCCAGCCATTTTATTG[G>A]CCACACCGTTACCTTACTTATAGGTATTTCCCCAGAAGAAGACTCCAGAGAGGAAGCTCA-3'

ClinVar aggregate classification (germline): Likely pathogenic. Review status: criteria provided, single submitter (1 of 4 stars). 2 submissions from 2 submitters: Likely pathogenic (1). 1 of the submissions does not count toward it. Last evaluated 2022-09-02.

Conditions:
ODAPH-related disorder. Also called: ODAPH-related condition.
Amelogenesis imperfecta hypomaturation type 2A4. Also called: Amelogenesis imperfecta, hypomaturation type, IIA4. Identifiers: Orphanet 88661, MedGen C3553830, MONDO:0013906, OMIM 614832.

Allele frequency attached by ClinVar (database versions not stated): ExAC 0.00002; gnomAD 0.00004 and 0.00003; TOPMed 0.00004; gnomAD exomes 0.00006 and 0.00002; ESP Exome Variant Server 0.00015.
gnomAD v4.1: 98 of 1,613,968 alleles (0.0061%); highest among the groups gnomAD compares: Non-Finnish European, 0.008%; no homozygotes.

Submissions (2):

PreventionGenetics, part of Exact Sciences
Classification: Likely pathogenic for ODAPH-related condition. Last evaluated: 2022-09-02. Review status: criteria provided, single submitter. Criteria: ACMG Guidelines, 2015. Collection method: clinical testing. Allele origin: germline.
Comment: The ODAPH c.318G>A variant is predicted to result in premature protein termination (p.Trp106*). This variant was reported in the compound heterozygous state within individuals with an amelogenesis imperfecta phenotype (Parry et al. 2012. PubMed ID: 22901946). This variant is reported in 0.0062% of alleles in individuals of African descent in gnomAD. Nonsense variants in ODAPH are expected to be pathogenic. Taken together, this variant is interpreted as likely pathogenic.

OMIM
Classification: Pathogenic for AMELOGENESIS IMPERFECTA, HYPOMATURATION TYPE, IIA4. Last evaluated: 2012-09-07. Review status: no assertion criteria provided. Collection method: literature only. Allele origin: germline. Not counted in ClinVar's aggregate classification.

Literature cited by the submitters: PubMed 22901946 (cited by OMIM).